The following is an entry in ClinVar:

NM_015909.4(NBAS):c.3847G>A (p.Val1283Ile)

Gene: NBAS (NBAS subunit of NRZ tethering complex; minus strand). Cytogenetic location: 2p24.3.
Variant type: single nucleotide variant.
Coding change: c.3847G>A on transcript NM_015909.4 (MANE Select); coding-DNA position 3847, G replaced by A.
Protein change: p.Val1283Ile; replaces valine 1283 with isoleucine.
Molecular consequence: missense variant. On other transcripts: non-coding transcript variant (1).
Genome position (GRCh38, 1-based): chr2:15,356,387, C>T on the plus strand (G>A on the coding strand, the complement: NBAS is on the minus strand). VCF-style: chr2-15356387-C-T. GRCh37 (hg19) VCF-style: chr2-15496511-C-T.
Other names: short protein forms V1283I.
Identifiers: ClinVar variation 1940428 (VCV001940428.2), dbSNP rs768278181, ClinGen allele CA1535881.
Genomic context (GRCh38, chr2:15,356,387, plus strand): 5'-GCATACTGGCTGCTTTGTAGTCATGGAAGCGAAGTGCCTGCTCCACTAAAAGGATTAGAA[C>T]CTGTCCCCGCCTTTCTTCTGGGTTCTCACCTGTAAGTCCAAGCAAAGGACTTAATGATTA-3'
Protein context (NP_056993.2, residues 1273-1293): GENPEERRGQ[Val1283Ile]LILLVEQALR

ClinVar aggregate classification (germline): Uncertain significance (1 of 4 stars; one submission).

gnomAD v4.1: 2 of 1,613,842 alleles (0.00012%); no homozygotes.

Submission:

Labcorp Genetics (formerly Invitae), Labcorp
Classification: Uncertain significance. Last evaluated: 2022-10-25. Review status: criteria provided, single submitter. Criteria: Invitae Variant Classification Sherloc (09022015). Collection method: clinical testing. Allele origin: germline.
Comment: This sequence change replaces valine, which is neutral and non-polar, with isoleucine, which is neutral and non-polar, at codon 1283 of the NBAS protein (p.Val1283Ile). This variant is present in population databases (rs768278181, gnomAD 0.01%). This variant has not been reported in the literature in individuals affected with NBAS-related conditions. Advanced modeling of protein sequence and biophysical properties (such as structural, functional, and spatial information, amino acid conservation, physicochemical variation, residue mobility, and thermodynamic stability) performed at Invitae indicates that this missense variant is not expected to disrupt NBAS protein function. In summary, the available evidence is currently insufficient to determine the role of this variant in disease. Therefore, it has been classified as a Variant of Uncertain Significance.